The following is an entry in ClinVar:

ClinVar aggregate classification (germline): Likely benign. Review status: criteria provided, multiple submitters, no conflicts (2 of 4 stars). 2 submissions from 2 submitters: Likely benign (2). Last evaluated 2025-12-20.

Conditions:
RECQL4-related disorder. Also called: RECQL4-related condition; RECQL4-related disorders.
Baller-Gerold syndrome (BGS). Also called: CRANIOSYNOSTOSIS WITH RADIAL DEFECTS. Identifiers: Orphanet 1225, MedGen C0265308, MONDO:0009039, OMIM 218600.

Allele frequency attached by ClinVar (database versions not stated): gnomAD exomes 0.00001 and below 0.00001; ExAC 0.00001.
gnomAD v4.1: 7 of 1,612,412 alleles (0.00043%); highest among the groups gnomAD compares: Non-Finnish European, 0.00051%; no homozygotes.

Submissions (2):

PreventionGenetics, part of Exact Sciences
Classification: Likely benign for RECQL4-related condition. Last evaluated: 2025-12-20. Review status: criteria provided, single submitter. Criteria: ACMG Guidelines, 2015. Collection method: clinical testing. Allele origin: germline.
Comment: This variant is classified as likely benign based on ACMG/AMP sequence variant interpretation guidelines (Richards et al. 2015 PMID: 25741868, with internal and published modifications).

Labcorp Genetics (formerly Invitae), Labcorp
Classification: Likely benign for Baller-Gerold syndrome. Last evaluated: 2025-08-11. Review status: criteria provided, single submitter. Criteria: Invitae Variant Classification Sherloc (09022015). Collection method: clinical testing. Allele origin: germline.

NM_004260.4(RECQL4):c.3156T>C (p.Cys1052=)

Gene: RECQL4 (RecQ like helicase 4; minus strand). Cytogenetic location: 8q24.3.
Variant type: single nucleotide variant.
Coding change: c.3156T>C on transcript NM_004260.4 (MANE Select); coding-DNA position 3156, T replaced by C.
Protein change: p.Cys1052=; no amino-acid change (cysteine 1052 retained).
Molecular consequence: synonymous variant.
Genome position (GRCh38, 1-based): chr8:144,512,224, A>G on the plus strand (T>C on the coding strand, the complement: RECQL4 is on the minus strand). VCF-style: chr8-144512224-A-G. GRCh37 (hg19) VCF-style: chr8-145737607-A-G.
Identifiers: ClinVar variation 529056 (VCV000529056.11), dbSNP rs200530038, ClinGen allele CA4947907.
Genomic context (GRCh38, chr8:144,512,224, plus strand): 5'-TCTGCGCAGACGGGCCAGGGCCTGGCGCTCCCGGGCCTGCACACGGCCATAGAGGAAGTC[A>G]CATATCTGGTCCTTCTCCTCAGCGGTCAAGTCCCCCGGGCTGCGAAGGTGGAAGGCCAGC-3'
Protein context (NP_004251.4, residues 1042-1062): DLTAEEKDQI[Cys1052=]DFLYGRVQAR